The following is an entry in ClinVar:

ClinVar aggregate classification (germline): Uncertain significance (1 of 4 stars; one submission).

Submission:

Labcorp Genetics (formerly Invitae), Labcorp
Classification: Uncertain significance. Last evaluated: 2023-10-04. Review status: criteria provided, single submitter. Criteria: Invitae Variant Classification Sherloc (09022015). Collection method: clinical testing. Allele origin: germline.
Comment: This sequence change replaces isoleucine, which is neutral and non-polar, with serine, which is neutral and polar, at codon 595 of the ACTN1 protein (p.Ile595Ser). This variant is not present in population databases (gnomAD no frequency). This variant has not been reported in the literature in individuals affected with ACTN1-related conditions. Advanced modeling of protein sequence and biophysical properties (such as structural, functional, and spatial information, amino acid conservation, physicochemical variation, residue mobility, and thermodynamic stability) performed at Invitae indicates that this missense variant is not expected to disrupt ACTN1 protein function. In summary, the available evidence is currently insufficient to determine the role of this variant in disease. Therefore, it has been classified as a Variant of Uncertain Significance.

NM_001130004.2(ACTN1):c.1784T>G (p.Ile595Ser)

Gene: ACTN1 (actinin alpha 1; minus strand). Cytogenetic location: 14q24.1.
Variant type: single nucleotide variant.
Coding change: c.1784T>G on transcript NM_001130004.2 (MANE Select); coding-DNA position 1784, T replaced by G.
Protein change: p.Ile595Ser; replaces isoleucine 595 with serine.
Molecular consequence: missense variant. On other transcripts: intron variant (5).
Genome position (GRCh38, 1-based): chr14:68,882,907, A>C on the plus strand (T>G on the coding strand, the complement: ACTN1 is on the minus strand). VCF-style: chr14-68882907-A-C. GRCh37 (hg19) VCF-style: chr14-69349624-A-C.
Other names: c.1784T>G, p.Ile595Ser (NM_001102.4, NM_001130005.2, NM_001424012.1 and 2 more transcripts); c.1808T>G, p.Ile603Ser (NM_001411035.1, NM_001424016.1); c.1589T>G, p.Ile530Ser (NM_001411036.1, NM_001424026.1, NM_001424028.1); c.1910T>G, p.Ile637Ser (NM_001424013.1); c.1871T>G, p.Ile624Ser (NM_001424015.1); c.1781T>G, p.Ile594Ser (NM_001424017.1); c.1745T>G, p.Ile582Ser (NM_001424018.1); c.1721T>G, p.Ile574Ser (NM_001424020.1, NM_001424022.1); and 3 more; short protein forms I572S, I582S, I595S, I603S, I594S, I574S, I637S, I320S.
Identifiers: ClinVar variation 2877737 (VCV002877737.3), dbSNP rs2503226373, ClinGen allele CA390183147.